The following is an entry in ClinVar:

ClinVar aggregate classification (germline): Likely benign. Review status: criteria provided, multiple submitters, no conflicts (2 of 4 stars). 5 submissions from 5 submitters: Likely benign (5). Last evaluated 2025-05-25.

Conditions:
Cardiovascular phenotype. Identifiers: MedGen CN230736.
RASopathy. Also called: Noonan spectrum disorder; rasopathies. Identifiers: Orphanet 536391, MedGen C5555857, MONDO:0021060.

Allele frequency attached by ClinVar (database versions not stated): gnomAD exomes 0.00001 and 0.00002; gnomAD 0.00002; ExAC 0.00003; TOPMed 0.00003.
gnomAD v4.1: 13 of 1,541,054 alleles (0.00084%); highest among the groups gnomAD compares: East Asian, 0.0026%; no homozygotes.

Submissions (5):

Labcorp Genetics (formerly Invitae), Labcorp
Classification: Likely benign for RASopathy. Last evaluated: 2025-05-25. Review status: criteria provided, single submitter. Criteria: Invitae Variant Classification Sherloc (09022015). Collection method: clinical testing. Allele origin: germline.

Blueprint Genetics
Classification: Likely benign. Last evaluated: 2024-10-08. Review status: criteria provided, single submitter. Criteria: ACMG Guidelines, 2015. Collection method: clinical testing. Allele origin: germline.

Ambry Genetics
Classification: Likely benign for Cardiovascular phenotype. Last evaluated: 2023-12-17. Review status: criteria provided, single submitter. Criteria: Ambry Variant Classification Scheme 2023. Collection method: clinical testing. Allele origin: germline.

GeneDx
Classification: Likely benign. Last evaluated: 2019-12-11. Review status: criteria provided, single submitter. Criteria: GeneDx Variant Classification Process June 2021. Collection method: clinical testing. Allele origin: germline. Affected: yes.
Comment: See Variant Classification Assertion Criteria.

Women's Health and Genetics/Laboratory Corporation of America, LabCorp
Classification: Likely benign. Last evaluated: 2019-08-28. Review status: criteria provided, single submitter. Criteria: LabCorp Variant Classification Summary - May 2015. Collection method: clinical testing. Allele origin: germline.

NM_030662.4(MAP2K2):c.39C>T (p.Thr13=)

Genes: MAP2K2 (mitogen-activated protein kinase kinase 2; minus strand), LOC130063193 (ATAC-STARR-seq lymphoblastoid silent region 9881; plus strand). Cytogenetic location: 19p13.3.
Variant type: single nucleotide variant.
Coding change: c.39C>T on transcript NM_030662.4 (MANE Select); coding-DNA position 39, C replaced by T.
Protein change: p.Thr13=; no amino-acid change (threonine 13 retained).
Molecular consequence: synonymous variant.
Genome position (GRCh38, 1-based): chr19:4,123,837, G>A on the plus strand (C>T on the coding strand, the complement: MAP2K2 is on the minus strand). VCF-style: chr19-4123837-G-A. GRCh37 (hg19) VCF-style: chr19-4123834-G-A.
Identifiers: ClinVar variation 416254 (VCV000416254.17), dbSNP rs752951050, ClinGen allele CA9091110.
Genomic context (GRCh38, chr19:4,123,837, plus strand): 5'-CACTCACTCGGAGGCGCCCTCGCTGGTAGGGGATGGGCCCTCGGCGATGGTAGGGTTGAT[G>A]GTGAGCGCCGGCAGCACCGGCTTCCTCCGGGCCAGCATCGGGGCTCCGCGGGCCGGCGGC-3'
Protein context (NP_109587.1, residues 3-23): ARRKPVLPAL[Thr13=]INPTIAEGPS